The following is an entry in ClinVar:

ClinVar aggregate classification (germline): Uncertain significance (1 of 4 stars; one submission).

Conditions:
Developmental and epileptic encephalopathy, 30 (DEE30). Also called: Epileptic encephalopathy, early infantile, 30. Identifiers: MedGen C4225360, MONDO:0014595, OMIM 616341.

Allele frequency attached by ClinVar (database versions not stated): gnomAD exomes 0.00001; ExAC 0.00002.

Submission:

Labcorp Genetics (formerly Invitae), Labcorp
Classification: Uncertain significance for Developmental and epileptic encephalopathy, 30. Last evaluated: 2024-10-23. Review status: criteria provided, single submitter. Criteria: Invitae Variant Classification Sherloc (09022015). Collection method: clinical testing. Allele origin: germline.
Comment: This sequence change replaces glycine, which is neutral and non-polar, with serine, which is neutral and polar, at codon 13 of the SIK1 protein (p.Gly13Ser). The frequency data for this variant in the population databases is considered unreliable, as metrics indicate poor data quality at this position in the gnomAD database. This variant has not been reported in the literature in individuals affected with SIK1-related conditions. ClinVar contains an entry for this variant (Variation ID: 855132). Invitae Evidence Modeling of protein sequence and biophysical properties (such as structural, functional, and spatial information, amino acid conservation, physicochemical variation, residue mobility, and thermodynamic stability) indicates that this missense variant is not expected to disrupt SIK1 protein function with a negative predictive value of 95%. In summary, the available evidence is currently insufficient to determine the role of this variant in disease. Therefore, it has been classified as a Variant of Uncertain Significance.

NM_173354.5(SIK1):c.37G>A (p.Gly13Ser)

Gene: SIK1 (salt inducible kinase 1; minus strand). Cytogenetic location: 21q22.3.
Variant type: single nucleotide variant.
Coding change: c.37G>A on transcript NM_173354.5 (MANE Select); coding-DNA position 37, G replaced by A.
Protein change: p.Gly13Ser; replaces glycine 13 with serine.
Molecular consequence: missense variant.
Genome position (GRCh38, 1-based): chr21:43,426,142, C>T on the plus strand (G>A on the coding strand, the complement: SIK1 is on the minus strand). VCF-style: chr21-43426142-C-T. GRCh37 (hg19) VCF-style: chr21-44846022-C-T.
Other names: short protein forms G13S.
Identifiers: ClinVar variation 855132 (VCV000855132.10), dbSNP rs758084408, ClinGen allele CA321330057.